The following is an entry in ClinVar:

ClinVar aggregate classification (germline): Uncertain significance (1 of 4 stars; one submission).

Conditions:
Mitochondrial DNA depletion syndrome 13. Also called: FBXL4-Related Encephalomyopathic Mitochondrial DNA Depletion Syndrome; Mitochondrial DNA depletion syndrome 13 (encephalomyopathic type). Identifiers: Orphanet 369897, MedGen C3809592, MONDO:0014198, OMIM 615471.

Allele frequency attached by ClinVar (database versions not stated): gnomAD exomes below 0.00001; TOPMed below 0.00001; ExAC 0.00001.
gnomAD v4.1: 1 of 1,614,246 alleles (0.000062%); highest among the groups gnomAD compares: African/African-American, 0.0013%; no homozygotes.

Submission:

Wong Mito Lab, Molecular and Human Genetics, Baylor College of Medicine
Classification: Uncertain significance for Mitochondrial DNA depletion syndrome 13. Last evaluated: 2017-08-10. Review status: criteria provided, single submitter. Criteria: ACMG Guidelines, 2015. Collection method: reference population. Allele origin: germline.
Comment: The NM_012160.4:c.158A>T (NP_036292.2:p.Gln53Leu) [GRCH38: NC_000006.12:g.98926831T>A] variant in FBXL4 gene is interpretated to be a Uncertain Significance - Insufficient Evidence based on ACMG guidelines (PMID: 25741868). This variant meets one or more of the following evidence codes reported in the ACMG-guideline. PM2:This variant is absent in key population databases. PP3:Computational evidence/predictors indicate the variant has deleterious effect on FBXL4 structure, function, or protein-protein interaction. Based on this evidence code ClinGen Pathogenicity Calculator (PMID:28081714) suggested that the variant is Uncertain Significance - Insufficient Evidence.

NM_001278716.2(FBXL4):c.158A>T (p.Gln53Leu)

Gene: FBXL4 (F-box and leucine rich repeat protein 4; minus strand). Cytogenetic location: 6q16.2.
Variant type: single nucleotide variant.
Coding change: c.158A>T on transcript NM_001278716.2 (MANE Select); coding-DNA position 158, A replaced by T.
Protein change: p.Gln53Leu; replaces glutamine 53 with leucine.
Molecular consequence: missense variant. On other transcripts: non-coding transcript variant (2).
Genome position (GRCh38, 1-based): chr6:98,926,831, T>A on the plus strand (A>T on the coding strand, the complement: FBXL4 is on the minus strand). VCF-style: chr6-98926831-T-A. GRCh37 (hg19) VCF-style: chr6-99374707-T-A.
Other names: c.158A>T, p.Gln53Leu (NM_012160.5); short protein forms Q53L.
Identifiers: ClinVar variation 437546 (VCV000437546.1), dbSNP rs766584290, ClinGen allele CA3933725.